The following is an entry in ClinVar:

ClinVar aggregate classification (germline): Uncertain significance. Review status: criteria provided, multiple submitters, no conflicts (2 of 4 stars). 3 submissions from 3 submitters: Uncertain significance (3). Last evaluated 2022-11-16.

Conditions:
Hereditary cancer-predisposing syndrome. Also called: Tumor predisposition; Hereditary Cancer Syndrome; Hereditary neoplastic syndrome; Neoplastic Syndromes, Hereditary. Identifiers: Orphanet 140162, MedGen C0027672, MeSH D009386, MONDO:0015356.
Osteofibrous dysplasia (OSFD). Also called: Tibia, bowing of, with pseudarthrosis and pectus excavatum. Identifiers: Orphanet 488265, MedGen C4085248, MONDO:0011806, OMIM 607278.
Hepatocellular carcinoma (HCC). Also called: Primary carcinoma of liver; HEPATOMA; LIVER CELL CARCINOMA. Identifiers: Orphanet 88673, MedGen C2239176, MONDO:0007256, OMIM 114550, HP:0001402.
Autosomal recessive nonsyndromic hearing loss 97. Also called: Deafness, autosomal recessive 97. Identifiers: Orphanet 90636, MedGen C4084709, MONDO:0014739, OMIM 616705.
Papillary renal cell carcinoma type 1 (RCCP1). Also called: RENAL CELL CARCINOMA, PAPILLARY, 1, SOMATIC; Renal adenocarcinoma; Renal cell carcinoma 1; Renal cell carcinoma, somatic. Identifiers: Orphanet 47044, MedGen C1336839, OMIM 605074, HP:0011797.
Renal cell carcinoma. Identifiers: Orphanet 217071, MedGen C0007134, MeSH D002292, MONDO:0005086, HP:0005584.

gnomAD v4.1: 6 of 1,613,716 alleles (0.00037%); highest among the groups gnomAD compares: Non-Finnish European, 0.00042%; no homozygotes.

Submissions (3):

Ambry Genetics
Classification: Uncertain significance for Hereditary cancer-predisposing syndrome. Last evaluated: 2022-11-16. Review status: criteria provided, single submitter. Criteria: Ambry Variant Classification Scheme 2023. Collection method: clinical testing. Allele origin: germline.
Comment: The p.R731* variant (also known as c.2191C>T), located in coding exon 8 of the MET gene, results from a C to T substitution at nucleotide position 2191. This changes the amino acid from an arginine to a stop codon within coding exon 8. This alteration is expected to result in protein truncation or nonsense-mediated mRNA decay. However, loss of function of MET has not been established as a mechanism of disease. Since supporting evidence is limited at this time, the clinical significance of this alteration remains unclear.

Fulgent Genetics
Classification: Uncertain significance for Hepatocellular carcinoma; Papillary renal cell carcinoma type 1; Osteofibrous dysplasia; Autosomal recessive nonsyndromic hearing loss 97. Last evaluated: 2022-04-21. Review status: criteria provided, single submitter. Criteria: ACMG Guidelines, 2015. Collection method: clinical testing. Allele origin: unknown.

Labcorp Genetics (formerly Invitae), Labcorp
Classification: Uncertain significance for Renal cell carcinoma. Last evaluated: 2021-07-14. Review status: criteria provided, single submitter. Criteria: Invitae Variant Classification Sherloc (09022015). Collection method: clinical testing. Allele origin: germline.
Comment: In summary, the available evidence is currently insufficient to determine the role of this variant in disease. Therefore, it has been classified as a Variant of Uncertain Significance. This variant has been observed in individual(s) with colorectal cancer (PMID: 28975465). ClinVar contains an entry for this variant (Variation ID: 411899). This variant is not present in population databases (ExAC no frequency). This sequence change creates a premature translational stop signal (p.Arg731*) in the MET gene. It is expected to result in an absent or disrupted protein product. However, the current clinical and genetic evidence is not sufficient to establish whether loss-of-function variants in MET cause disease.

Literature cited by the submitters: PubMed 28975465 (cited by Labcorp Genetics (formerly Invitae), Labcorp).

NM_000245.4(MET):c.2191C>T (p.Arg731Ter)

Gene: MET (MET proto-oncogene, receptor tyrosine kinase; plus strand). Cytogenetic location: 7q31.2.
Variant type: single nucleotide variant.
Coding change: c.2191C>T on transcript NM_000245.4 (MANE Select); coding-DNA position 2191, C replaced by T.
Protein change: p.Arg731Ter; replaces arginine 731 with a stop codon.
Molecular consequence: nonsense.
Genome position (GRCh38, 1-based): chr7:116,758,547, C>T. VCF-style: chr7-116758547-C-T. GRCh37 (hg19) VCF-style: chr7-116398601-C-T.
Other names: c.2191C>T, p.Arg731Ter (NM_001127500.3, NM_001324401.3); c.901C>T, p.Arg301Ter (NM_001324402.2); short protein forms R731*, R301*.
Identifiers: ClinVar variation 411899 (VCV000411899.49), dbSNP rs377336878, ClinGen allele CA16612255.